The following is an entry in ClinVar:

ClinVar aggregate classification (germline): Uncertain significance. Review status: criteria provided, multiple submitters, no conflicts (2 of 4 stars). 2 submissions from 2 submitters: Uncertain significance (2). Last evaluated 2025-09-08.

Conditions:
Juvenile polyposis syndrome (JPS). Identifiers: Orphanet 2929, MedGen C0345893, MONDO:0017380, OMIM 174900.
Hereditary cancer-predisposing syndrome. Also called: Neoplastic Syndromes, Hereditary; Tumor predisposition; Hereditary Cancer Syndrome; Hereditary neoplastic syndrome. Identifiers: Orphanet 140162, MedGen C0027672, MeSH D009386, MONDO:0015356.

Submissions (2):

Color Diagnostics, LLC DBA Color Health
Classification: Uncertain significance for Hereditary cancer-predisposing syndrome. Last evaluated: 2025-09-08. Review status: criteria provided, single submitter. Criteria: ACMG Guidelines, 2015. Collection method: clinical testing. Allele origin: germline.
Comment: This missense variant replaces alanine with threonine at codon 152 of the SMAD4 protein. Computational prediction suggests that this variant may not impact protein structure and function. To our knowledge, functional studies have not been reported for this variant. This variant has not been reported in individuals affected with SMAD4-related disorders in the literature. This variant has not been identified in the general population by the Genome Aggregation Database (gnomAD). The available evidence is insufficient to determine the role of this variant in disease conclusively. Therefore, this variant is classified as a Variant of Uncertain Significance.

Labcorp Genetics (formerly Invitae), Labcorp
Classification: Uncertain significance for Juvenile polyposis syndrome. Last evaluated: 2024-08-27. Review status: criteria provided, single submitter. Criteria: Invitae Variant Classification Sherloc (09022015). Collection method: clinical testing. Allele origin: germline.
Comment: This sequence change replaces alanine, which is neutral and non-polar, with threonine, which is neutral and polar, at codon 152 of the SMAD4 protein (p.Ala152Thr). This variant also falls at the last nucleotide of exon 4, which is part of the consensus splice site for this exon. This variant is not present in population databases (gnomAD no frequency). This variant has not been reported in the literature in individuals affected with SMAD4-related conditions. ClinVar contains an entry for this variant (Variation ID: 2180105). An algorithm developed to predict the effect of missense changes on protein structure and function (PolyPhen-2) suggests that this variant is likely to be tolerated. Variants that disrupt the consensus splice site are a relatively common cause of aberrant splicing (PMID: 17576681, 9536098). Algorithms developed to predict the effect of sequence changes on RNA splicing suggest that this variant may disrupt the consensus splice site. In summary, the available evidence is currently insufficient to determine the role of this variant in disease. Therefore, it has been classified as a Variant of Uncertain Significance.

Literature cited by the submitters: PubMed 17576681 (cited by Labcorp Genetics (formerly Invitae), Labcorp); PubMed 9536098 (cited by Labcorp Genetics (formerly Invitae), Labcorp).

NM_005359.6(SMAD4):c.454G>A (p.Ala152Thr)

Gene: SMAD4 (SMAD family member 4; plus strand). Cytogenetic location: 18q21.2.
Variant type: single nucleotide variant.
Coding change: c.454G>A on transcript NM_005359.6 (MANE Select); coding-DNA position 454, G replaced by A.
Protein change: p.Ala152Thr; replaces alanine 152 with threonine.
Molecular consequence: missense variant.
Genome position (GRCh38, 1-based): chr18:51,049,324, G>A. VCF-style: chr18-51049324-G-A. GRCh37 (hg19) VCF-style: chr18-48575694-G-A.
Other names: c.454G>A, p.Ala152Thr (NM_001407041.1, NM_001407042.1, NM_001407043.1); short protein forms A152T.
Identifiers: ClinVar variation 2180105 (VCV002180105.4), dbSNP rs2144407724, ClinGen allele CA402459629.